The following is an entry in ClinVar:

ClinVar aggregate classification (germline): Conflicting classifications of pathogenicity. Review status: criteria provided, conflicting classifications (1 of 4 stars). 4 submissions from 4 submitters: Uncertain significance (3); Benign (1). Last evaluated 2025-09-03.

Conditions:
Deficiency of beta-ureidopropionase (UPB1D). Also called: Beta-ureidopropionase deficiency. Identifiers: Orphanet 65287, MedGen C1291512, MONDO:0013164, OMIM 613161.

Allele frequency attached by ClinVar (database versions not stated): TOPMed 0.00010.
gnomAD v4.1: 200 of 1,614,002 alleles (0.012%); highest among the groups gnomAD compares: Non-Finnish European, 0.014%; no homozygotes.

Submissions (4):

Labcorp Genetics (formerly Invitae), Labcorp
Classification: Uncertain significance. Last evaluated: 2025-09-03. Review status: criteria provided, single submitter. Criteria: Invitae Variant Classification Sherloc (09022015). Collection method: clinical testing. Allele origin: germline.
Comment: This sequence change affects codon 264 of the UPB1 mRNA. It is a 'silent' change, meaning that it does not change the encoded amino acid sequence of the UPB1 protein. It affects a nucleotide within the consensus splice site. This variant is present in population databases (rs145766755, gnomAD 0.03%). This variant has not been reported in the literature in individuals affected with UPB1-related conditions. ClinVar contains an entry for this variant (Variation ID: 900674). Algorithms developed to predict the effect of sequence changes on RNA splicing suggest that this variant is not likely to affect RNA splicing. In summary, the available evidence is currently insufficient to determine the role of this variant in disease. Therefore, it has been classified as a Variant of Uncertain Significance.

Laboratory of Genetics, Children's Clinical University Hospital Latvia
Classification: Benign. Last evaluated: 2025-02-16. Review status: criteria provided, single submitter. Criteria: ACMG Guidelines, 2015. Collection method: clinical testing. Allele origin: germline. Affected: yes.

GeneDx
Classification: Uncertain significance. Last evaluated: 2020-01-30. Review status: criteria provided, single submitter. Criteria: GeneDx Variant Classification Process June 2021. Collection method: clinical testing. Allele origin: germline. Affected: yes.
Comment: Has not been previously published as pathogenic or benign to our knowledge; In silico analysis, which includes splice predictors and evolutionary conservation, suggests this variant may impact gene splicing. In the absence of RNA/functional studies, the actual effect of this sequence change is unknown.

Illumina Laboratory Services, Illumina
Classification: Uncertain significance for Deficiency of beta-ureidopropionase. Last evaluated: 2017-04-27. Review status: criteria provided, single submitter. Criteria: ICSL Variant Classification Criteria 13 December 2019. Collection method: clinical testing. Allele origin: germline.
Comment: This variant was observed as part of a predisposition screen in an ostensibly healthy population. A literature search was performed for the gene, cDNA change, and amino acid change (where applicable). Publications were found based on this search. However, the evidence from the literature, in combination with allele frequency data from public databases where available, was not sufficient to rule this variant in or out of causing disease. Therefore, this variant is classified as a variant of unknown significance.

Literature cited by the submitters: PubMed 22525402 (cited by Illumina Laboratory Services, Illumina); PubMed 24526388 (cited by Illumina Laboratory Services, Illumina).

NM_016327.3(UPB1):c.792C>T (p.Ser264=)

Gene: UPB1 (beta-ureidopropionase 1; plus strand). Cytogenetic location: 22q11.23.
Variant type: single nucleotide variant.
Coding change: c.792C>T on transcript NM_016327.3 (MANE Select); coding-DNA position 792, C replaced by T.
Protein change: p.Ser264=; no amino-acid change (serine 264 retained).
Molecular consequence: synonymous variant.
Genome position (GRCh38, 1-based): chr22:24,520,387, C>T. VCF-style: chr22-24520387-C-T. GRCh37 (hg19) VCF-style: chr22-24916355-C-T.
Identifiers: ClinVar variation 900674 (VCV000900674.10), dbSNP rs145766755, ClinGen allele CA10153358.
Genomic context (GRCh38, chr22:24,520,387, plus strand): 5'-GCATCCACTGAGTCTGCCTGGAAAGTCGGCAACCTGGTTCCTCTTGGTCCTCTCTTACAG[C>T]GAGTCCCTGTGGCCCATCGAGGCCAGAAACGCAGCCATTGCCAATCACTGCTTCACCTGC-3'
Protein context (NP_057411.1, residues 254-274): FNPSATIGAL[Ser264=]ESLWPIEARN